The following is an entry in ClinVar:

ClinVar aggregate classification (germline): Uncertain significance (1 of 4 stars; one submission).

Conditions:
Carney complex, type 1 (CNC1). Also called: CARNEY MYXOMA-ENDOCRINE COMPLEX; CARNEY COMPLEX, TYPE I. Identifiers: Orphanet 1359, MedGen C2607929, MONDO:0008057, OMIM 160980.

Submission:

Labcorp Genetics (formerly Invitae), Labcorp
Classification: Uncertain significance for Carney complex, type 1. Last evaluated: 2020-08-19. Review status: criteria provided, single submitter. Criteria: Invitae Variant Classification Sherloc (09022015). Collection method: clinical testing. Allele origin: germline.
Comment: In summary, the available evidence is currently insufficient to determine the role of this variant in disease. Therefore, it has been classified as a Variant of Uncertain Significance. Algorithms developed to predict the effect of missense changes on protein structure and function (SIFT, PolyPhen-2, Align-GVGD) all suggest that this variant is likely to be disruptive, but these predictions have not been confirmed by published functional studies and their clinical significance is uncertain. This variant has not been reported in the literature in individuals with PRKAR1A-related conditions. This variant is not present in population databases (ExAC no frequency). This sequence change replaces glycine with glutamic acid at codon 197 of the PRKAR1A protein (p.Gly197Glu). The glycine residue is highly conserved and there is a moderate physicochemical difference between glycine and glutamic acid.

NM_002734.5(PRKAR1A):c.590G>A (p.Gly197Glu)

Gene: PRKAR1A (protein kinase cAMP-dependent type I regulatory subunit alpha; plus strand). Cytogenetic location: 17q24.2.
Variant type: single nucleotide variant.
Coding change: c.590G>A on transcript NM_002734.5 (MANE Select); coding-DNA position 590, G replaced by A.
Protein change: p.Gly197Glu; replaces glycine 197 with glutamic acid.
Molecular consequence: missense variant.
Genome position (GRCh38, 1-based): chr17:68,525,794, G>A. VCF-style: chr17-68525794-G-A. GRCh37 (hg19) VCF-style: chr17-66521935-G-A.
Other names: c.590G>A, p.Gly197Glu (NM_001276289.2, NM_001276290.1, NM_001278433.2 and 4 more transcripts); short protein forms G197E.
Identifiers: ClinVar variation 1027341 (VCV001027341.8), dbSNP rs2085771159, ClinGen allele CA400753142.
Genomic context (GRCh38, chr17:68,525,794, plus strand): 5'-TGATGTCACTTGCACTTTAGGTCTATGTTAACAATGAATGGGCAACCAGTGTTGGGGAAG[G>A]AGGGAGCTTTGGAGAACTTGCTTTGATTTATGGAACACCGAGAGCAGCCACTGTCAAAGC-3'
Protein context (NP_002725.1, residues 187-207): NNEWATSVGE[Gly197Glu]GSFGELALIY